The following is an entry in ClinVar:

NM_001042492.3(NF1):c.1324_1325del (p.Met442fs)

Gene: NF1 (neurofibromin 1; plus strand). Cytogenetic location: 17q11.2.
Variant type: Microsatellite.
Coding change: c.1324_1325del on transcript NM_001042492.3 (MANE Select); coding-DNA positions 1324 to 1325, 2 bases deleted (AT; older notation c.1324_1325delAT).
Protein change: p.Met442fs; shifts the reading frame from methionine 442.
Molecular consequence: frameshift variant.
Genome position (GRCh38, 1-based): chr17:31,206,303-31,206,304, AT deleted; deleting any 2 consecutive bases within chr17:31,206,301-31,206,304 gives the same sequence; the c. name uses the placement nearest the transcript's 3' end. VCF-style (leftmost placement, unchanged base first): chr17-31206300-AAT-A. GRCh37 (hg19) VCF-style: chr17-29533318-AAT-A.
Other names: c.1324_1325del (NM_001042492.2); c.1322_1323AT[1], p.Met442Valfs (NM_000267.4); c.1324_1325del, p.Met442fs (NM_001128147.3); short protein forms M442fs.
Identifiers: ClinVar variation 431580 (VCV000431580.2), dbSNP rs1135402805, ClinGen allele CA645373084.
Genomic context (GRCh38, chr17:31,206,300, plus strand): 5'-TCCGCATTGGATTGGTGGCCTAAGATTGATGCTGTGTATTGTCACTCGGTTGAACTTCGA[AAT>A]ATGTTTGGTGAAACACTTCATAAAGCAGTGCAAGGTTGTGGAGCACACCCAGCAATACGA-3'

ClinVar aggregate classification (germline): Pathogenic. Review status: criteria provided, single submitter (1 of 4 stars). 2 submissions from 2 submitters: Pathogenic (1). 1 of the submissions does not count toward it. Last evaluated 2024-11-20.

Conditions:
Neurofibromatosis, type 1 (NF1). Also called: Neurofibromatosis, type I; NEUROFIBROMATOSIS, TYPE I, SOMATIC; Peripheral type neurofibromatosis; VON RECKLINGHAUSEN DISEASE. Identifiers: Orphanet 636, MedGen C0027831, MONDO:0018975, OMIM 162200. Disease mechanism: loss of function.

Submissions (2):

GeneDx
Classification: Pathogenic. Last evaluated: 2024-11-20. Review status: criteria provided, single submitter. Criteria: GeneDx Variant Classification Process June 2021. Collection method: clinical testing. Allele origin: germline. Affected: yes.
Comment: Frameshift variant predicted to result in protein truncation or nonsense mediated decay in a gene for which loss of function is a known mechanism of disease; Not observed at significant frequency in large population cohorts (gnomAD); This variant is associated with the following publications: (PMID: 28961165)

Medical Genetics, University of Parma
Classification: Pathogenic for Neurofibromatosis type 1. Last evaluated: 2017-02-02. Review status: no assertion criteria provided. Collection method: clinical testing. Allele origin: germline. Affected: yes. Not counted in ClinVar's aggregate classification.